The following is an entry in ClinVar:

NM_001943.5(DSG2):c.3008A>C (p.Glu1003Ala)

Genes: DSG2 (desmoglein 2; plus strand), DSG2-AS1 (DSG2 antisense RNA 1; minus strand). Cytogenetic location: 18q12.1.
Variant type: single nucleotide variant.
Coding change: c.3008A>C on transcript NM_001943.5 (MANE Select); coding-DNA position 3008, A replaced by C.
Protein change: p.Glu1003Ala; replaces glutamic acid 1003 with alanine.
Molecular consequence: missense variant.
Genome position (GRCh38, 1-based): chr18:31,546,394, A>C. VCF-style: chr18-31546394-A-C. GRCh37 (hg19) VCF-style: chr18-29126357-A-C.
Other names: short protein forms E1003A.
Identifiers: ClinVar variation 3842621 (VCV003842621.1).

ClinVar aggregate classification (germline): Uncertain significance (1 of 4 stars; one submission).

Conditions:
Cardiovascular phenotype. Identifiers: MedGen CN230736.

Submission:

Ambry Genetics
Classification: Uncertain significance for Cardiovascular phenotype. Last evaluated: 2025-01-19. Review status: criteria provided, single submitter. Criteria: Ambry Variant Classification Scheme 2023. Collection method: clinical testing. Allele origin: germline.
Comment: The p.E1003A variant (also known as c.3008A>C), located in coding exon 15 of the DSG2 gene, results from an A to C substitution at nucleotide position 3008. The glutamic acid at codon 1003 is replaced by alanine, an amino acid with dissimilar properties. This amino acid position is conserved. In addition, this alteration is predicted to be tolerated by in silico analysis. Based on the available evidence, the clinical significance of this variant remains unclear.